The following is an entry in ClinVar:

NM_017696.3(MCM9):c.15A>C (p.Gln5His)

Gene: MCM9 (minichromosome maintenance 9 homologous recombination repair factor; minus strand). Cytogenetic location: 6q22.31.
Variant type: single nucleotide variant.
Coding change: c.15A>C on transcript NM_017696.3 (MANE Select); coding-DNA position 15, A replaced by C.
Protein change: p.Gln5His; replaces glutamine 5 with histidine.
Molecular consequence: missense variant. On other transcripts: 5 prime UTR variant (6), non-coding transcript variant (2).
Genome position (GRCh38, 1-based): chr6:118,931,709, T>G on the plus strand (A>C on the coding strand, the complement: MCM9 is on the minus strand). VCF-style: chr6-118931709-T-G. GRCh37 (hg19) VCF-style: chr6-119252874-T-G.
Other names: c.15A>C, p.Gln5His (NM_001378356.1, NM_001378357.1, NM_001378358.1 and 9 more transcripts); c.-275A>C (NM_001378361.1, NM_001378362.1, NM_001378363.1 and 3 more transcripts); short protein forms Q5H.
Identifiers: ClinVar variation 3037765 (VCV003037765.2), dbSNP rs149471755, ClinGen allele CA3978806.

ClinVar aggregate classification (germline): Likely benign (0 of 4 stars; one submission).

Conditions:
MCM9-related disorder. Also called: MCM9-related condition.

Allele frequency attached by ClinVar (database versions not stated): 1000 Genomes Project 30x 0.00016; TOPMed 0.00017; 1000 Genomes Project 0.00020; gnomAD exomes 0.00030; ESP Exome Variant Server 0.00038; gnomAD 0.00042; ExAC 0.00062.
gnomAD v4.1: 500 of 1,611,192 alleles (0.031%); highest among the groups gnomAD compares: Non-Finnish European, 0.022%; 1 homozygote.

Submission:

PreventionGenetics, part of Exact Sciences
Classification: Likely benign for MCM9-related condition. Last evaluated: 2022-12-01. Review status: no assertion criteria provided. Collection method: clinical testing. Allele origin: germline.
Comment: This variant is classified as likely benign based on ACMG/AMP sequence variant interpretation guidelines (Richards et al. 2015 PMID: 25741868, with internal and published modifications).